The following is an entry in ClinVar:

ClinVar aggregate classification (germline): Uncertain significance. Review status: criteria provided, multiple submitters, no conflicts (2 of 4 stars). 2 submissions from 2 submitters: Uncertain significance (2). Last evaluated 2025-07-16.

Conditions:
Inborn genetic diseases. Identifiers: MedGen C0950123, MeSH D030342.

Allele frequency attached by ClinVar (database versions not stated): ExAC 0.00001; gnomAD 0.00001; gnomAD exomes 0.00002.
gnomAD v4.1: 19 of 1,612,756 alleles (0.0012%); highest among the groups gnomAD compares: South Asian, 0.0022%; no homozygotes.

Submissions (2):

Ambry Genetics
Classification: Uncertain significance for Inborn genetic diseases. Last evaluated: 2025-07-16. Review status: criteria provided, single submitter. Criteria: Ambry Variant Classification Scheme 2023. Collection method: clinical testing. Allele origin: germline.

Labcorp Genetics (formerly Invitae), Labcorp
Classification: Uncertain significance. Last evaluated: 2024-04-29. Review status: criteria provided, single submitter. Criteria: Invitae Variant Classification Sherloc (09022015). Collection method: clinical testing. Allele origin: germline.
Comment: This sequence change replaces arginine, which is basic and polar, with cysteine, which is neutral and slightly polar, at codon 1784 of the PCNT protein (p.Arg1784Cys). This variant is present in population databases (rs776352984, gnomAD 0.004%). This variant has not been reported in the literature in individuals affected with PCNT-related conditions. ClinVar contains an entry for this variant (Variation ID: 1372091). Algorithms developed to predict the effect of missense changes on protein structure and function output the following: SIFT: "Not Available"; PolyPhen-2: "Benign"; Align-GVGD: "Not Available". The cysteine amino acid residue is found in multiple mammalian species, which suggests that this missense change does not adversely affect protein function. In summary, the available evidence is currently insufficient to determine the role of this variant in disease. Therefore, it has been classified as a Variant of Uncertain Significance.

NM_006031.6(PCNT):c.5350C>T (p.Arg1784Cys)

Gene: PCNT (pericentrin; plus strand). Cytogenetic location: 21q22.3.
Variant type: single nucleotide variant.
Coding change: c.5350C>T on transcript NM_006031.6 (MANE Select); coding-DNA position 5350, C replaced by T.
Protein change: p.Arg1784Cys; replaces arginine 1784 with cysteine.
Molecular consequence: missense variant.
Genome position (GRCh38, 1-based): chr21:46,411,423, C>T. VCF-style: chr21-46411423-C-T. GRCh37 (hg19) VCF-style: chr21-47831337-C-T.
Other names: c.4996C>T, p.Arg1666Cys (NM_001315529.2); c.5350C>T (NM_006031.5); short protein forms R1666C, R1784C.
Identifiers: ClinVar variation 1372091 (VCV001372091.9), dbSNP rs776352984, ClinGen allele CA10079956.